The following is an entry in ClinVar:

ClinVar aggregate classification (germline): Uncertain significance (1 of 4 stars; one submission).

Conditions:
Koolen-de Vries syndrome (KDVS). Identifiers: Orphanet 96169, MedGen C1864871, MONDO:0012496, OMIM 610443.

Allele frequency attached by ClinVar (database versions not stated): gnomAD exomes below 0.00001; TOPMed below 0.00001; ExAC 0.00001.
gnomAD v4.1: 6 of 1,591,028 alleles (0.00038%); highest among the groups gnomAD compares: Non-Finnish European, 0.00043%; no homozygotes.

Submission:

Labcorp Genetics (formerly Invitae), Labcorp
Classification: Uncertain significance for Koolen-de Vries syndrome. Last evaluated: 2018-03-17. Review status: criteria provided, single submitter. Criteria: Invitae Variant Classification Sherloc (09022015). Collection method: clinical testing. Allele origin: germline.
Comment: In summary, the available evidence is currently insufficient to determine the role of this variant in disease. Therefore, it has been classified as a Variant of Uncertain Significance. Algorithms developed to predict the effect of missense changes on protein structure and function (SIFT, PolyPhen-2, Align-GVGD) all suggest that this variant is likely to be disruptive, but these predictions have not been confirmed by published functional studies and their clinical significance is uncertain. This variant has not been reported in the literature in individuals with KANSL1-related disease. This variant is present in population databases (rs766000368, ExAC 0.002%). This sequence change replaces valine with isoleucine at codon 130 of the KANSL1 protein (p.Val130Ile). The valine residue is highly conserved and there is a small physicochemical difference between valine and isoleucine.

NM_015443.4(KANSL1):c.388G>A (p.Val130Ile)

Gene: KANSL1 (KAT8 regulatory NSL complex subunit 1). Cytogenetic location: 17q21.31.
Variant type: single nucleotide variant.
Coding change: c.388G>A on transcript NM_015443.4 (MANE Select); coding-DNA position 388, G replaced by A.
Protein change: p.Val130Ile; replaces valine 130 with isoleucine.
Molecular consequence: missense variant.
Genome position (GRCh38, 1-based): chr17:46,171,756, C>T on the plus strand (G>A on the coding strand, the complement: KANSL1 is on the minus strand). VCF-style: chr17-46171756-C-T. GRCh37 (hg19) VCF-style: chr17-44249122-C-T.
Other names: c.388G>A, p.Val130Ile (NM_001193465.2, NM_001193466.2, NM_001379198.1); short protein forms V130I.
Identifiers: ClinVar variation 578775 (VCV000578775.8), dbSNP rs766000368, ClinGen allele CA8619059.